The following is an entry in ClinVar:

ClinVar aggregate classification (germline): Benign/Likely benign. Review status: criteria provided, multiple submitters, no conflicts (2 of 4 stars). 5 submissions from 5 submitters: Benign (1); Likely benign (3). 1 of the submissions does not count toward it. Last evaluated 2026-01-25.

Conditions:
Combined malonic and methylmalonic acidemia. Identifiers: Orphanet 289504, MedGen C3280314, MONDO:0013661, OMIM 614265.

Allele frequency attached by ClinVar (database versions not stated): gnomAD exomes 0.00039; ExAC 0.00103; gnomAD 0.00325 and 0.00346; ESP Exome Variant Server 0.00346; 1000 Genomes Project 0.00359; 1000 Genomes Project 30x 0.00375; TOPMed 0.00382.
gnomAD v4.1: 1,114 of 1,613,956 alleles (0.069%); highest among the groups gnomAD compares: African/African-American, 1.1%; 4 homozygotes.

Submissions (5):

Labcorp Genetics (formerly Invitae), Labcorp
Classification: Benign for Combined malonic and methylmalonic acidemia. Last evaluated: 2026-01-25. Review status: criteria provided, single submitter. Criteria: Invitae Variant Classification Sherloc (09022015). Collection method: clinical testing. Allele origin: germline.

Blueprint Genetics
Classification: Likely benign. Last evaluated: 2024-10-24. Review status: criteria provided, single submitter. Criteria: ACMG Guidelines, 2015. Collection method: clinical testing. Allele origin: germline.

GeneDx
Classification: Likely benign. Last evaluated: 2017-12-08. Review status: criteria provided, single submitter. Criteria: GeneDx Variant Classification (06012015). Collection method: clinical testing. Allele origin: germline. Affected: yes.
Comment: This variant is considered likely benign or benign based on one or more of the following criteria: it is a conservative change, it occurs at a poorly conserved position in the protein, it is predicted to be benign by multiple in silico algorithms, and/or has population frequency not consistent with disease.

Breakthrough Genomics
Classification: Likely benign. Review status: criteria provided, single submitter. Criteria: ACMG Guidelines, 2015. Collection method: not provided. Allele origin: germline. Inheritance: Unknown mechanism. Affected: yes.

Natera, Inc.
Classification: Benign for Combined malonic and methylmalonic aciduria. Last evaluated: 2020-09-15. Review status: no assertion criteria provided. Collection method: clinical testing. Allele origin: germline. Not counted in ClinVar's aggregate classification.

NM_001243279.3(ACSF3):c.1131C>T (p.Ser377=)

Gene: ACSF3 (acyl-CoA synthetase family member 3; plus strand). Cytogenetic location: 16q24.3.
Variant type: single nucleotide variant.
Coding change: c.1131C>T on transcript NM_001243279.3 (MANE Select); coding-DNA position 1131, C replaced by T.
Protein change: p.Ser377=; no amino-acid change (serine 377 retained).
Molecular consequence: synonymous variant. On other transcripts: non-coding transcript variant (3).
Genome position (GRCh38, 1-based): chr16:89,120,805, C>T. VCF-style: chr16-89120805-C-T. GRCh37 (hg19) VCF-style: chr16-89187213-C-T.
Other names: c.1131C>T, p.Ser377= (NM_001127214.4, NM_174917.5); c.336C>T, p.Ser112= (NM_001284316.2).
Identifiers: ClinVar variation 385028 (VCV000385028.18), dbSNP rs138395741, ClinGen allele CA8238013.